The following is an entry in ClinVar:

ClinVar aggregate classification (germline): Uncertain significance (1 of 4 stars; one submission).

Submission:

GeneDx
Classification: Uncertain significance. Last evaluated: 2019-11-12. Review status: criteria provided, single submitter. Criteria: GeneDx Variant Classification Process June 2021. Collection method: clinical testing. Allele origin: germline. Affected: yes.
Comment: Not observed in large population cohorts (Lek et al., 2016); Canonical splice site variant in a gene for which loss-of-function is not a well-established mechanism of disease; Has not been previously published as pathogenic or benign to our knowledge

NM_005826.5(HNRNPR):c.276+1G>A

Gene: HNRNPR (heterogeneous nuclear ribonucleoprotein R; minus strand). Cytogenetic location: 1p36.12.
Variant type: single nucleotide variant.
Coding change: c.276+1G>A on transcript NM_005826.5 (MANE Select); the canonical splice donor site of the intron after coding-DNA position 276, G replaced by A.
Molecular consequence: splice donor variant.
Genome position (GRCh38, 1-based): chr1:23,338,489, C>T on the plus strand (G>A on the coding strand, the complement: HNRNPR is on the minus strand). VCF-style: chr1-23338489-C-T. GRCh37 (hg19) VCF-style: chr1-23664982-C-T.
Other names: c.-28+1G>A (NM_001297622.2, NM_001297621.2, NM_001102397.3 and 1 more transcripts); c.276+1G>A (NM_001297620.2, NM_001102398.3).
Identifiers: ClinVar variation 1310169 (VCV001310169.2), dbSNP rs2148485313, ClinGen allele CA338972153.